The following is an entry in ClinVar:

NM_000719.7(CACNA1C):c.1523G>A (p.Arg508Gln)

Gene: CACNA1C (calcium voltage-gated channel subunit alpha1 C; plus strand). Cytogenetic location: 12p13.33.
Variant type: single nucleotide variant.
Coding change: c.1523G>A on transcript NM_000719.7 (MANE Select); coding-DNA position 1523, G replaced by A.
Protein change: p.Arg508Gln; replaces arginine 508 with glutamine.
Molecular consequence: missense variant.
Genome position (GRCh38, 1-based): chr12:2,566,436, G>A. VCF-style: chr12-2566436-G-A. GRCh37 (hg19) VCF-style: chr12-2675602-G-A.
Other names: c.1523G>A, p.Arg508Gln (NM_001129827.2, NM_001129829.2, NM_001129830.3 and 18 more transcripts); c.1514G>A, p.Arg505Gln (NM_001129844.2); short protein forms R508Q, R505Q.
Identifiers: ClinVar variation 931388 (VCV000931388.12), dbSNP rs762091177, ClinGen allele CA6388810.

ClinVar aggregate classification (germline): Uncertain significance. Review status: criteria provided, multiple submitters, no conflicts (2 of 4 stars). 3 submissions from 3 submitters: Uncertain significance (3). Last evaluated 2025-04-09.

Conditions:
Timothy syndrome (TS). Also called: LONG QT SYNDROME WITH SYNDACTYLY. Identifiers: Orphanet 65283, MedGen C1832916, MeSH C536962, MONDO:0010979, OMIM 601005.
Long QT syndrome (LQTS). Identifiers: MedGen C0023976, MeSH D008133, MONDO:0002442. Disease mechanism: loss of function. Inheritance: Various modes of inheritance.
Cardiovascular phenotype. Identifiers: MedGen CN230736.

Allele frequency attached by ClinVar (database versions not stated): gnomAD exomes 0.00002; ExAC 0.00004.
gnomAD v4.1: 27 of 1,593,932 alleles (0.0017%); highest among the groups gnomAD compares: Admixed American, 0.0035%; no homozygotes.

Submissions (3):

Molecular Diagnostic Laboratory for Inherited Cardiovascular Disease, Montreal Heart Institute
Classification: Uncertain significance for Cardiovascular phenotype. Last evaluated: 2025-04-09. Review status: criteria provided, single submitter. Criteria: ACMG Guidelines, 2015. Collection method: clinical testing. Allele origin: germline. Affected: yes.
Comment: PM2

Labcorp Genetics (formerly Invitae), Labcorp
Classification: Uncertain significance for Long QT syndrome. Last evaluated: 2024-09-24. Review status: criteria provided, single submitter. Criteria: Invitae Variant Classification Sherloc (09022015). Collection method: clinical testing. Allele origin: germline.
Comment: This sequence change replaces arginine, which is basic and polar, with glutamine, which is neutral and polar, at codon 508 of the CACNA1C protein (p.Arg508Gln). The frequency data for this variant in the population databases is considered unreliable, as metrics indicate poor data quality at this position in the gnomAD database. This variant has not been reported in the literature in individuals affected with CACNA1C-related conditions. ClinVar contains an entry for this variant (Variation ID: 931388). Invitae Evidence Modeling of protein sequence and biophysical properties (such as structural, functional, and spatial information, amino acid conservation, physicochemical variation, residue mobility, and thermodynamic stability) has been performed for this missense variant. However, the output from this modeling did not meet the statistical confidence thresholds required to predict the impact of this variant on CACNA1C protein function. In summary, the available evidence is currently insufficient to determine the role of this variant in disease. Therefore, it has been classified as a Variant of Uncertain Significance.

Centre for Mendelian Genomics, University Medical Centre Ljubljana
Classification: Uncertain significance for Timothy syndrome. Last evaluated: 2019-01-12. Review status: criteria provided, single submitter. Criteria: ACMG Guidelines, 2015. Collection method: clinical testing. Allele origin: unknown. Affected: yes.
Comment: This variant was classified as: Uncertain significance. The available evidence favors the pathogenic nature of this variant, however the currently available data is insufficient to conclusively support its pathogenic nature. Thus this variant is classified as Uncertain significance - favor pathogenic. The following ACMG criteria were applied in classifying this variant: PP3,PP4.